The following is an entry in ClinVar:

NM_006891.4(CRYGD):c.109C>A (p.Arg37Ser)

Genes: CRYGD (crystallin gamma D; minus strand), LOC100507443 (uncharacterized LOC100507443; plus strand). Cytogenetic location: 2q33.3.
Variant type: single nucleotide variant.
Coding change: c.109C>A on transcript NM_006891.4 (MANE Select); coding-DNA position 109, C replaced by A.
Protein change: p.Arg37Ser; replaces arginine 37 with serine.
Molecular consequence: missense variant.
Genome position (GRCh38, 1-based): chr2:208,124,255, G>T on the plus strand (C>A on the coding strand, the complement: CRYGD is on the minus strand). VCF-style: chr2-208124255-G-T. GRCh37 (hg19) VCF-style: chr2-208988979-G-T.
Other names: short protein forms R37S.
Identifiers: ClinVar variation 16939 (VCV000016939.4), dbSNP rs121909597, ClinGen allele CA214962.
Genomic context (GRCh38, chr2:208,124,255, plus strand): 5'-AGTACTGGAGGCCCGAGTAGTTGGGCTGCTCATAGAGCATCCAGCAGCCGCTGTCCACGC[G>T]CGCCGAGTTGCAGCGGCTCAAGTAGGGCTGCAGGTTGGGGTGGTCGCTGCTGCATTCATA-3'
Protein context (NP_008822.2, residues 27-47): QPYLSRCNSA[Arg37Ser]VDSGCWMLYE

ClinVar aggregate classification (germline): Pathogenic. Review status: criteria provided, single submitter (1 of 4 stars). 2 submissions from 2 submitters: Pathogenic (1). 1 of the submissions does not count toward it. Last evaluated 2024-03-19.

Conditions:
Aculeiform cataract (CTRCT4). Also called: Fasciculiform cataract; Frosted cataract; Needle-shaped cataract. Identifiers: MedGen C1861832, HP:0010926.
Cataract 4 multiple types. Also called: CATARACT 4, PUNCTATE; CATARACT 4, CRYSTALLINE; CATARACT 4, CENTRAL NUCLEAR; CATARACT 4, NONNUCLEAR POLYMORPHIC CONGENITAL; CATARACT 4, ACULEIFORM; CATARACT 4, MULTIPLE TYPES, WITH OR WITHOUT MICROCORNEA. Identifiers: Orphanet 1377, MedGen C3540850, MONDO:0007281, OMIM 115700.

Submissions (2):

Labcorp Genetics (formerly Invitae), Labcorp
Classification: Pathogenic for Aculeiform cataract. Last evaluated: 2024-03-19. Review status: criteria provided, single submitter. Criteria: Invitae Variant Classification Sherloc (09022015). Collection method: clinical testing. Allele origin: germline.
Comment: This sequence change replaces arginine, which is basic and polar, with serine, which is neutral and polar, at codon 37 of the CRYGD protein (p.Arg37Ser). This variant is not present in population databases (gnomAD no frequency). This missense change has been observed in individual(s) with congenital cataracts (PMID: 10915766, 22219628; Invitae). It has also been observed to segregate with disease in related individuals. This variant is also known as R36S. ClinVar contains an entry for this variant (Variation ID: 16939). An algorithm developed to predict the effect of missense changes on protein structure and function (PolyPhen-2) suggests that this variant is likely to be disruptive. This variant disrupts the p.Arg37Pro amino acid residue in CRYGD. Other variant(s) that disrupt this residue have been determined to be pathogenic (PMID: 21527994). This suggests that this residue is clinically significant, and that variants that disrupt this residue are likely to be disease-causing. For these reasons, this variant has been classified as Pathogenic.

OMIM
Classification: Pathogenic for CATARACT 4, CRYSTALLINE. Last evaluated: 2007-09-01. Review status: no assertion criteria provided. Collection method: literature only. Allele origin: germline. Not counted in ClinVar's aggregate classification.

Literature cited by the submitters: PubMed 10915766 (cited by Labcorp Genetics (formerly Invitae), Labcorp and OMIM); PubMed 22219628 (cited by Labcorp Genetics (formerly Invitae), Labcorp); PubMed 21527994 (cited by Labcorp Genetics (formerly Invitae), Labcorp); PubMed 17724170 (cited by OMIM).